The following is an entry in ClinVar:

ClinVar aggregate classification (germline): Uncertain significance (1 of 4 stars; one submission).

Submission:

Ambry Genetics
Classification: Uncertain significance. Last evaluated: 2025-05-21. Review status: criteria provided, single submitter. Criteria: Ambry Variant Classification Scheme 2023. Collection method: clinical testing. Allele origin: germline.
Comment: The p.R8G variant (also known as c.22C>G), located in coding exon 1 of the RAD51B gene, results from a C to G substitution at nucleotide position 22. The arginine at codon 8 is replaced by glycine, an amino acid with dissimilar properties. This amino acid position is conserved. In addition, the in silico prediction for this alteration is inconclusive. Based on the available evidence, the clinical significance of this variant remains unclear.

NM_133510.4(RAD51B):c.22C>G (p.Arg8Gly)

Gene: RAD51B (RAD51 paralog B; plus strand). Cytogenetic location: 14q24.1.
Variant type: single nucleotide variant.
Coding change: c.22C>G on transcript NM_133510.4 (MANE Select); coding-DNA position 22, C replaced by G.
Protein change: p.Arg8Gly; replaces arginine 8 with glycine.
Molecular consequence: missense variant. On other transcripts: 5 prime UTR variant (1).
Genome position (GRCh38, 1-based): chr14:67,823,565, C>G. VCF-style: chr14-67823565-C-G. GRCh37 (hg19) VCF-style: chr14-68290282-C-G.
Other names: c.22C>G, p.Arg8Gly (NM_001321809.2, NM_001321810.2, NM_001321812.1 and 6 more transcripts); c.-434C>G (NM_001321817.2); short protein forms R8G.
Identifiers: ClinVar variation 3942323 (VCV003942323.1).
Genomic context (GRCh38, chr14:67,823,565, plus strand): 5'-TTTTTCATGGTTCTTCTTTTCTTTGCTGGATCTGGAGGCATGGGTAGCAAGAAACTAAAA[C>G]GAGTGGGTTTATCACAAGAGCTGTGTGACCGTCTGAGTAGACATCAGATCCTTACCTGTC-3'
Protein context (NP_598194.1, residues 1-18): MGSKKLK[Arg8Gly]VGLSQELCDR